The following is an entry in ClinVar:

ClinVar aggregate classification (germline): Uncertain significance (1 of 4 stars; one submission).

Submission:

Labcorp Genetics (formerly Invitae), Labcorp
Classification: Uncertain significance. Last evaluated: 2022-01-08. Review status: criteria provided, single submitter. Criteria: Invitae Variant Classification Sherloc (09022015). Collection method: clinical testing. Allele origin: germline.
Comment: In summary, the available evidence is currently insufficient to determine the role of this variant in disease. Therefore, it has been classified as a Variant of Uncertain Significance. This sequence change replaces serine, which is neutral and polar, with leucine, which is neutral and non-polar, at codon 197 of the SAMD11 protein (p.Ser197Leu). This variant is not present in population databases (gnomAD no frequency). This variant has not been reported in the literature in individuals affected with SAMD11-related conditions. Algorithms developed to predict the effect of missense changes on protein structure and function are either unavailable or do not agree on the potential impact of this missense change (SIFT: "Tolerated"; PolyPhen-2: "Probably Damaging"; Align-GVGD: "Class C0").

NM_001385641.1(SAMD11):c.1127C>T (p.Ser376Leu)

Gene: SAMD11 (sterile alpha motif domain containing 11; plus strand). Cytogenetic location: 1p36.33.
Variant type: single nucleotide variant.
Coding change: c.1127C>T on transcript NM_001385641.1 (MANE Select); coding-DNA position 1127, C replaced by T.
Protein change: p.Ser376Leu; replaces serine 376 with leucine.
Molecular consequence: missense variant.
Genome position (GRCh38, 1-based): chr1:939,344, C>T. VCF-style: chr1-939344-C-T. GRCh37 (hg19) VCF-style: chr1-874724-C-T.
Other names: c.1130C>T, p.Ser377Leu (NM_001385640.1); c.590C>T, p.Ser197Leu (NM_152486.4); short protein forms S197L, S377L, S376L.
Identifiers: ClinVar variation 2078010 (VCV002078010.4), dbSNP rs1205474814, ClinGen allele CA337800505.